The following is an entry in ClinVar:

ClinVar aggregate classification (germline): Uncertain significance (1 of 4 stars; one submission).

Allele frequency attached by ClinVar (database versions not stated): gnomAD exomes below 0.00001; ExAC 0.00001; gnomAD 0.00001; ESP Exome Variant Server 0.00008.
gnomAD v4.1: 13 of 1,612,962 alleles (0.00081%); highest among the groups gnomAD compares: Non-Finnish European, 0.0011%; no homozygotes.

Submission:

Labcorp Genetics (formerly Invitae), Labcorp
Classification: Uncertain significance. Last evaluated: 2021-09-25. Review status: criteria provided, single submitter. Criteria: Invitae Variant Classification Sherloc (09022015). Collection method: clinical testing. Allele origin: germline.
Comment: This sequence change replaces valine with phenylalanine at codon 450 of the MME protein (p.Val450Phe). The valine residue is moderately conserved and there is a small physicochemical difference between valine and phenylalanine. This variant is present in population databases (rs147133542, ExAC 0.002%). This variant has not been reported in the literature in individuals affected with MME-related conditions. Algorithms developed to predict the effect of missense changes on protein structure and function are either unavailable or do not agree on the potential impact of this missense change (SIFT: "Deleterious"; PolyPhen-2: "Probably Damaging"; Align-GVGD: "Class C0"). In summary, the available evidence is currently insufficient to determine the role of this variant in disease. Therefore, it has been classified as a Variant of Uncertain Significance.

NM_007289.4(MME):c.1348G>T (p.Val450Phe)

Gene: MME (membrane metalloendopeptidase; plus strand). Cytogenetic location: 3q25.2.
Variant type: single nucleotide variant.
Coding change: c.1348G>T on transcript NM_007289.4 (MANE Select); coding-DNA position 1348, G replaced by T.
Protein change: p.Val450Phe; replaces valine 450 with phenylalanine.
Molecular consequence: missense variant.
Genome position (GRCh38, 1-based): chr3:155,144,389, G>T. VCF-style: chr3-155144389-G-T. GRCh37 (hg19) VCF-style: chr3-154862178-G-T.
Other names: c.1348G>T, p.Val450Phe (NM_000902.5, NM_001354642.2, NM_001354643.1 and 2 more transcripts); short protein forms V450F.
Identifiers: ClinVar variation 1521657 (VCV001521657.3), dbSNP rs147133542, ClinGen allele CA2675483.
Genomic context (GRCh38, chr3:155,144,389, plus strand): 5'-ACCTATATTTGTCTTCTGTTCTGATTTGAGGTCGAGGATTTGATTGCACAGATCCGAGAA[G>T]TTTTTATTCAGACTTTAGATGACCTCACTTGGATGGATGCCGAGACAAAAAAGAGAGCTG-3'
Protein context (NP_009220.2, residues 440-460): VEDLIAQIRE[Val450Phe]FIQTLDDLTW